The following is an entry in ClinVar:

NM_000091.5(COL4A3):c.2923C>G (p.Pro975Ala)

Genes: COL4A3 (collagen type IV alpha 3 chain; plus strand), MFF-DT (MFF divergent transcript; minus strand). Cytogenetic location: 2q36.3.
Variant type: single nucleotide variant.
Coding change: c.2923C>G on transcript NM_000091.5 (MANE Select); coding-DNA position 2923, C replaced by G.
Protein change: p.Pro975Ala; replaces proline 975 with alanine.
Molecular consequence: missense variant.
Genome position (GRCh38, 1-based): chr2:227,289,191, C>G. VCF-style: chr2-227289191-C-G. GRCh37 (hg19) VCF-style: chr2-228153907-C-G.
Other names: short protein forms P975A.
Identifiers: ClinVar variation 2891455 (VCV002891455.4), dbSNP rs746604076, ClinGen allele CA2147060.
Genomic context (GRCh38, chr2:227,289,191, plus strand): 5'-ACCTGGTTTCTAACTTCAGGATTCGCAGGAAATCCAGGTGAGAAAGGAAACAGAGGCGTT[C>G]CAGGGATGCCAGGTTTAAAGGGCCTCAAAGGACTACCCGGACCAGCAGGACCACCAGGTA-3'
Protein context (NP_000082.2, residues 965-985): NPGEKGNRGV[Pro975Ala]GMPGLKGLKG

ClinVar aggregate classification (germline): Uncertain significance. Review status: criteria provided, multiple submitters, no conflicts (2 of 4 stars). 2 submissions from 2 submitters: Uncertain significance (2). Last evaluated 2026-07-08.

Conditions:
Inborn genetic diseases. Identifiers: MedGen C0950123, MeSH D030342.

Allele frequency attached by ClinVar (database versions not stated): TOPMed 0.00003; gnomAD exomes below 0.00001; gnomAD 0.00001; ExAC 0.00001.
gnomAD v4.1: 4 of 1,613,706 alleles (0.00025%); highest among the groups gnomAD compares: Admixed American, 0.0033%; no homozygotes.

Submissions (2):

Ambry Genetics
Classification: Uncertain significance for Inborn genetic diseases. Last evaluated: 2026-07-08. Review status: criteria provided, single submitter. Criteria: Ambry Variant Classification Scheme 2023. Collection method: clinical testing. Allele origin: germline.

Labcorp Genetics (formerly Invitae), Labcorp
Classification: Uncertain significance. Last evaluated: 2023-07-10. Review status: criteria provided, single submitter. Criteria: Invitae Variant Classification Sherloc (09022015). Collection method: clinical testing. Allele origin: germline.
Comment: This sequence change replaces proline, which is neutral and non-polar, with alanine, which is neutral and non-polar, at codon 975 of the COL4A3 protein (p.Pro975Ala). This variant is present in population databases (rs746604076, gnomAD 0.01%). This variant has not been reported in the literature in individuals affected with COL4A3-related conditions. Advanced modeling of protein sequence and biophysical properties (such as structural, functional, and spatial information, amino acid conservation, physicochemical variation, residue mobility, and thermodynamic stability) has been performed at Invitae for this missense variant, however the output from this modeling did not meet the statistical confidence thresholds required to predict the impact of this variant on COL4A3 protein function. In summary, the available evidence is currently insufficient to determine the role of this variant in disease. Therefore, it has been classified as a Variant of Uncertain Significance.